The following is an entry in ClinVar:

ClinVar aggregate classification (germline): Uncertain significance. Review status: criteria provided, multiple submitters, no conflicts (2 of 4 stars). 2 submissions from 2 submitters: Uncertain significance (2). Last evaluated 2025-11-11.

Conditions:
Hereditary cancer-predisposing syndrome. Also called: Neoplastic Syndromes, Hereditary; Tumor predisposition; Hereditary Cancer Syndrome; Hereditary neoplastic syndrome. Identifiers: Orphanet 140162, MedGen C0027672, MeSH D009386, MONDO:0015356.
Oligodontia-cancer predisposition syndrome. Also called: TOOTH AGENESIS-COLORECTAL CANCER SYNDROME. Identifiers: Orphanet 300576, MedGen C1837750, MONDO:0012075, OMIM 608615. Disease mechanism: loss of function.

Allele frequency attached by ClinVar (database versions not stated): gnomAD exomes below 0.00001.
gnomAD v4.1: 5 of 1,614,228 alleles (0.00031%); highest among the groups gnomAD compares: Non-Finnish European, 0.00034%; no homozygotes.

Submissions (2):

Labcorp Genetics (formerly Invitae), Labcorp
Classification: Uncertain significance for Oligodontia-cancer predisposition syndrome. Last evaluated: 2025-11-11. Review status: criteria provided, single submitter. Criteria: Invitae Variant Classification Sherloc (09022015). Collection method: clinical testing. Allele origin: germline.
Comment: This sequence change replaces lysine, which is basic and polar, with arginine, which is basic and polar, at codon 748 of the AXIN2 protein (p.Lys748Arg). This variant is not present in population databases (gnomAD no frequency). This variant has not been reported in the literature in individuals affected with AXIN2-related conditions. ClinVar contains an entry for this variant (Variation ID: 649839). An algorithm developed to predict the effect of missense changes on protein structure and function outputs the following: PolyPhen-2: "Benign". The arginine amino acid residue is found in multiple mammalian species, which suggests that this missense change does not adversely affect protein function. RNA analysis performed to evaluate the impact of this missense change on mRNA splicing indicates it does not significantly alter splicing (internal data). In summary, the available evidence is currently insufficient to determine the role of this variant in disease. Therefore, it has been classified as a Variant of Uncertain Significance.

Ambry Genetics
Classification: Uncertain significance for Hereditary cancer-predisposing syndrome. Last evaluated: 2025-04-05. Review status: criteria provided, single submitter. Criteria: Ambry Variant Classification Scheme 2023. Collection method: clinical testing. Allele origin: germline.
Comment: The p.K748R variant (also known as c.2243A>G), located in coding exon 9 of the AXIN2 gene, results from an A to G substitution at nucleotide position 2243. The lysine at codon 748 is replaced by arginine, an amino acid with highly similar properties. This amino acid position is well conserved in available vertebrate species. In addition, this alteration is predicted to be tolerated by in silico analysis. Since supporting evidence is limited at this time, the clinical significance of this alteration remains unclear.

NM_004655.4(AXIN2):c.2243A>G (p.Lys748Arg)

Gene: AXIN2 (axin 2; minus strand). Cytogenetic location: 17q24.1.
Variant type: single nucleotide variant.
Coding change: c.2243A>G on transcript NM_004655.4 (MANE Select); coding-DNA position 2243, A replaced by G.
Protein change: p.Lys748Arg; replaces lysine 748 with arginine.
Molecular consequence: missense variant.
Genome position (GRCh38, 1-based): chr17:65,534,074, T>C on the plus strand (A>G on the coding strand, the complement: AXIN2 is on the minus strand). VCF-style: chr17-65534074-T-C. GRCh37 (hg19) VCF-style: chr17-63530192-T-C.
Other names: c.2243A>G (LRG_296t1); c.2048A>G, p.Lys683Arg (NM_001363813.1); short protein forms K748R, K683R.
Identifiers: ClinVar variation 649839 (VCV000649839.14), dbSNP rs1598094114, ClinGen allele CA400675669.